The following is an entry in ClinVar:

NM_004370.6(COL12A1):c.1738G>A (p.Val580Ile)

Gene: COL12A1 (collagen type XII alpha 1 chain; minus strand). Cytogenetic location: 6q13.
Variant type: single nucleotide variant.
Coding change: c.1738G>A on transcript NM_004370.6 (MANE Select); coding-DNA position 1738, G replaced by A.
Protein change: p.Val580Ile; replaces valine 580 with isoleucine.
Molecular consequence: missense variant. On other transcripts: intron variant (1).
Genome position (GRCh38, 1-based): chr6:75,183,203, C>T on the plus strand (G>A on the coding strand, the complement: COL12A1 is on the minus strand). VCF-style: chr6-75183203-C-T. GRCh37 (hg19) VCF-style: chr6-75892919-C-T.
Other names: c.73+19517G>A (NM_080645.3); c.1738G>A (NM_004370.5); short protein forms V580I.
Identifiers: ClinVar variation 1430157 (VCV001430157.8), dbSNP rs758637945, ClinGen allele CA3894148.

ClinVar aggregate classification (germline): Uncertain significance. Review status: criteria provided, multiple submitters, no conflicts (2 of 4 stars). 3 submissions from 3 submitters: Uncertain significance (3). Last evaluated 2026-01-19.

Conditions:
Ullrich congenital muscular dystrophy 2 (UCMD2). Identifiers: Orphanet 75840, MedGen C4225314, MONDO:0014654, OMIM 616470.
Bethlem myopathy 2 (BTHLM2). Identifiers: Orphanet 536516, Orphanet 610, MedGen C4225313, MONDO:0034022, OMIM 616471.
Inborn genetic diseases. Identifiers: MedGen C0950123, MeSH D030342.

Allele frequency attached by ClinVar (database versions not stated): gnomAD 0.00001 and 0.00002; gnomAD exomes 0.00002; TOPMed below 0.00001; ExAC 0.00002.

Submissions (3):

Labcorp Genetics (formerly Invitae), Labcorp
Classification: Uncertain significance for Bethlem myopathy 2; Ullrich congenital muscular dystrophy 2. Last evaluated: 2026-01-19. Review status: criteria provided, single submitter. Criteria: Invitae Variant Classification Sherloc (09022015). Collection method: clinical testing. Allele origin: germline.
Comment: This sequence change replaces valine, which is neutral and non-polar, with isoleucine, which is neutral and non-polar, at codon 580 of the COL12A1 protein (p.Val580Ile). This variant is present in population databases (rs758637945, gnomAD 0.01%). This variant has not been reported in the literature in individuals affected with COL12A1-related conditions. ClinVar contains an entry for this variant (Variation ID: 1430157). Invitae Evidence Modeling of protein sequence and biophysical properties (such as structural, functional, and spatial information, amino acid conservation, physicochemical variation, residue mobility, and thermodynamic stability) has been performed for this missense variant. However, the output from this modeling did not meet the statistical confidence thresholds required to predict the impact of this variant on COL12A1 protein function. In summary, the available evidence is currently insufficient to determine the role of this variant in disease. Therefore, it has been classified as a Variant of Uncertain Significance.

Ambry Genetics
Classification: Uncertain significance for Inborn genetic diseases. Last evaluated: 2024-02-28. Review status: criteria provided, single submitter. Criteria: Ambry Variant Classification Scheme 2023. Collection method: clinical testing. Allele origin: germline.

GeneDx
Classification: Uncertain significance. Last evaluated: 2024-01-30. Review status: criteria provided, single submitter. Criteria: GeneDx Variant Classification Process June 2021. Collection method: clinical testing. Allele origin: germline. Affected: yes.
Comment: Has not been previously published as pathogenic or benign to our knowledge; In silico analysis supports that this missense variant does not alter protein structure/function